The following is an entry in ClinVar:

ClinVar aggregate classification (germline): Uncertain significance (1 of 4 stars; one submission).

Conditions:
Neu-Laxova syndrome 2. Identifiers: Orphanet 2671, Orphanet 583602, MedGen C4015019, MONDO:0014466, OMIM 616038.

Allele frequency attached by ClinVar (database versions not stated): gnomAD 0.00001; gnomAD exomes 0.00001 and below 0.00001; ExAC 0.00001.
gnomAD v4.1: 5 of 1,613,906 alleles (0.00031%); highest among the groups gnomAD compares: Non-Finnish European, 0.00042%; no homozygotes.

Submission:

Labcorp Genetics (formerly Invitae), Labcorp
Classification: Uncertain significance for Neu-Laxova syndrome 2. Last evaluated: 2021-03-08. Review status: criteria provided, single submitter. Criteria: Invitae Variant Classification Sherloc (09022015). Collection method: clinical testing. Allele origin: germline.
Comment: This sequence change falls in intron 8 of the PSAT1 gene. It does not directly change the encoded amino acid sequence of the PSAT1 protein. It affects a nucleotide within the consensus splice site of the intron. The frequency data for this variant in the population databases is considered unreliable, as metrics indicate poor data quality at this position in the ExAC database. This variant has not been reported in the literature in individuals with PSAT1-related conditions. Nucleotide substitutions within the consensus splice site are a relatively common cause of aberrant splicing (PMID: 17576681, 9536098). Algorithms developed to predict the effect of sequence changes on RNA splicing suggest that this variant may disrupt the consensus splice site, but this prediction has not been confirmed by published transcriptional studies. In summary, the available evidence is currently insufficient to determine the role of this variant in disease. Therefore, it has been classified as a Variant of Uncertain Significance.

Literature cited by the submitters: PubMed 17576681; PubMed 9536098.

NM_058179.4(PSAT1):c.1007+5G>A

Gene: PSAT1 (phosphoserine aminotransferase 1; plus strand). Cytogenetic location: 9q21.2.
Variant type: single nucleotide variant.
Coding change: c.1007+5G>A on transcript NM_058179.4 (MANE Select); 5 bases into the intron after coding-DNA position 1007, G replaced by A.
Molecular consequence: intron variant.
Genome position (GRCh38, 1-based): chr9:78,328,193, G>A. VCF-style: chr9-78328193-G-A. GRCh37 (hg19) VCF-style: chr9-80943109-G-A.
Other names: c.870-788G>A (NM_021154.5).
Identifiers: ClinVar variation 1422010 (VCV001422010.3), dbSNP rs747514463, ClinGen allele CA5095778.
Genomic context (GRCh38, chr9:78,328,193, plus strand): 5'-AAAAGATTTCTTGATAAAGCTCTTGAACTCAATATGTTGTCCTTGAAAGGGCATAGGTGA[G>A]TACATCTGCAATGCACGAGCTTGGCAAAGAATTAGCTTAGTTTTTCAAATGCAGAATAAA-3'